The following is an entry in ClinVar:

ClinVar aggregate classification (germline): Uncertain significance (1 of 4 stars; one submission).

Submission:

Women's Health and Genetics/Laboratory Corporation of America, LabCorp
Classification: Uncertain significance. Last evaluated: 2025-01-29. Review status: criteria provided, single submitter. Criteria: LabCorp Variant Classification Summary - May 2015. Collection method: clinical testing. Allele origin: germline.
Comment: Variant summary: DCTN1 c.3526C>T (p.Pro1176Ser) results in a non-conservative amino acid change in the encoded protein sequence. Three of five in-silico tools predict a benign effect of the variant on protein function. The frequency data for this variant in gnomAD is considered unreliable, as metrics indicate poor data quality at this position. To our knowledge, no occurrence of c.3526C>T in individuals affected with Neuronopathy, distal hereditary motor, type 7B and no experimental evidence demonstrating its impact on protein function have been reported. No submitters have cited clinical-significance assessments for this variant to ClinVar. Based on the evidence outlined above, the variant was classified as uncertain significance.

NM_004082.5(DCTN1):c.3526C>T (p.Pro1176Ser)

Gene: DCTN1 (dynactin subunit 1; minus strand). Cytogenetic location: 2p13.1.
Variant type: single nucleotide variant.
Coding change: c.3526C>T on transcript NM_004082.5 (MANE Select); coding-DNA position 3526, C replaced by T.
Protein change: p.Pro1176Ser; replaces proline 1176 with serine.
Molecular consequence: missense variant. On other transcripts: non-coding transcript variant (1).
Genome position (GRCh38, 1-based): chr2:74,362,997, G>A on the plus strand (C>T on the coding strand, the complement: DCTN1 is on the minus strand). VCF-style: chr2-74362997-G-A. GRCh37 (hg19) VCF-style: chr2-74590124-G-A.
Other names: c.3451C>T, p.Pro1151Ser (NM_001135040.3); c.3109C>T, p.Pro1037Ser (NM_001135041.3); c.3400C>T, p.Pro1134Ser (NM_001190836.2); c.3505C>T, p.Pro1169Ser (NM_001190837.2); c.3475C>T, p.Pro1159Ser (NM_001378991.1); c.3457C>T, p.Pro1153Ser (NM_001378992.1); c.3124C>T, p.Pro1042Ser (NM_023019.4); short protein forms P1037S, P1042S, P1134S, P1151S, P1153S, P1159S, P1169S, P1176S.
Identifiers: ClinVar variation 3769348 (VCV003769348.2).